The following is an entry in ClinVar:

NM_014334.4(FRRS1L):c.601C>T (p.Arg201Cys)

Gene: FRRS1L (ferric chelate reductase 1 like; minus strand). Cytogenetic location: 9q31.3.
Variant type: single nucleotide variant.
Coding change: c.601C>T on transcript NM_014334.4 (MANE Select); coding-DNA position 601, C replaced by T.
Protein change: p.Arg201Cys; replaces arginine 201 with cysteine.
Molecular consequence: missense variant.
Genome position (GRCh38, 1-based): chr9:109,141,451, G>A on the plus strand (C>T on the coding strand, the complement: FRRS1L is on the minus strand). VCF-style: chr9-109141451-G-A. GRCh37 (hg19) VCF-style: chr9-111903731-G-A.
Other names: c.754C>T (NM_014334.2); short protein forms R201C.
Identifiers: ClinVar variation 1015647 (VCV001015647.7), dbSNP rs764520399, ClinGen allele CA5177367.

ClinVar aggregate classification (germline): Uncertain significance. Review status: criteria provided, multiple submitters, no conflicts (2 of 4 stars). 3 submissions from 3 submitters: Uncertain significance (3). Last evaluated 2026-01-05.

Conditions:
Developmental and epileptic encephalopathy, 37 (DEE37). Also called: Epileptic encephalopathy, early infantile, 37. Identifiers: MedGen C4310770, MONDO:0014859, OMIM 616981.
Inborn genetic diseases. Identifiers: MedGen C0950123, MeSH D030342.

Allele frequency attached by ClinVar (database versions not stated): gnomAD 0.00001; TOPMed 0.00001; ExAC 0.00002; gnomAD exomes 0.00002.
gnomAD v4.1: 32 of 1,613,972 alleles (0.002%); highest among the groups gnomAD compares: Non-Finnish European, 0.0025%; no homozygotes.

Submissions (3):

Labcorp Genetics (formerly Invitae), Labcorp
Classification: Uncertain significance for Developmental and epileptic encephalopathy, 37. Last evaluated: 2026-01-05. Review status: criteria provided, single submitter. Criteria: Invitae Variant Classification Sherloc (09022015). Collection method: clinical testing. Allele origin: germline.
Comment: This sequence change replaces arginine, which is basic and polar, with cysteine, which is neutral and slightly polar, at codon 252 of the FRRS1L protein (p.Arg252Cys). This variant is present in population databases (rs764520399, gnomAD 0.005%). This variant has not been reported in the literature in individuals affected with FRRS1L-related conditions. ClinVar contains an entry for this variant (Variation ID: 1015647). An algorithm developed to predict the effect of missense changes on protein structure and function (PolyPhen-2) suggests that this variant is likely to be disruptive. In summary, the available evidence is currently insufficient to determine the role of this variant in disease. Therefore, it has been classified as a Variant of Uncertain Significance.

Ambry Genetics
Classification: Uncertain significance for Inborn genetic diseases. Last evaluated: 2023-12-16. Review status: criteria provided, single submitter. Criteria: Ambry Variant Classification Scheme 2023. Collection method: clinical testing. Allele origin: germline.

Blueprint Genetics
Classification: Uncertain significance. Last evaluated: 2021-07-23. Review status: criteria provided, single submitter. Criteria: ACMG Guidelines, 2015. Collection method: clinical testing. Allele origin: germline.